The following is an entry in ClinVar:

ClinVar aggregate classification (germline): Uncertain significance (0 of 4 stars; one submission).

Conditions:
CEP290-related disorder. Also called: CEP290-related condition; CEP290-related disorders. Identifiers: MedGen CN239314.

gnomAD v4.1: 2 of 1,613,492 alleles (0.00012%); highest among the groups gnomAD compares: Non-Finnish European, 0.00017%; no homozygotes.

Submission:

PreventionGenetics, part of Exact Sciences
Classification: Uncertain significance for CEP290-related condition. Last evaluated: 2024-04-03. Review status: no assertion criteria provided. Collection method: clinical testing. Allele origin: germline.
Comment: The CEP290 c.382G>A variant is predicted to result in the amino acid substitution p.Asp128Asn. To our knowledge, this variant has not been reported in the literature or in a large population database, indicating this variant is rare. At this time, the clinical significance of this variant is uncertain due to the absence of conclusive functional and genetic evidence.

NM_025114.4(CEP290):c.382G>A (p.Asp128Asn)

Gene: CEP290 (centrosomal protein 290; minus strand). Cytogenetic location: 12q21.32.
Variant type: single nucleotide variant.
Coding change: c.382G>A on transcript NM_025114.4 (MANE Select); coding-DNA position 382, G replaced by A.
Protein change: p.Asp128Asn; replaces aspartic acid 128 with asparagine.
Molecular consequence: missense variant.
Genome position (GRCh38, 1-based): chr12:88,136,702, C>T on the plus strand (G>A on the coding strand, the complement: CEP290 is on the minus strand). VCF-style: chr12-88136702-C-T. GRCh37 (hg19) VCF-style: chr12-88530479-C-T.
Other names: short protein forms D128N.
Identifiers: ClinVar variation 3347189 (VCV003347189.1).